The following is an entry in ClinVar:

ClinVar aggregate classification (germline): Uncertain significance (1 of 4 stars; one submission).

Conditions:
Hereditary cancer-predisposing syndrome. Also called: Neoplastic Syndromes, Hereditary; Tumor predisposition; Hereditary Cancer Syndrome; Hereditary neoplastic syndrome. Identifiers: Orphanet 140162, MedGen C0027672, MeSH D009386, MONDO:0015356.

Submission:

Ambry Genetics
Classification: Uncertain significance for Hereditary cancer-predisposing syndrome. Last evaluated: 2024-09-14. Review status: criteria provided, single submitter. Criteria: Ambry Variant Classification Scheme 2023. Collection method: clinical testing. Allele origin: germline.
Comment: The p.T768S variant (also known as c.2302A>T), located in coding exon 15 of the PTCH1 gene, results from an A to T substitution at nucleotide position 2302. The threonine at codon 768 is replaced by serine, an amino acid with similar properties. This amino acid position is highly conserved in available vertebrate species. In addition, the in silico prediction for this alteration is inconclusive. Based on the available evidence, the clinical significance of this variant remains unclear.

NM_000264.5(PTCH1):c.2302A>T (p.Thr768Ser)

Genes: PTCH1 (patched 1; minus strand), LOC100507346 (uncharacterized LOC100507346; plus strand). Cytogenetic location: 9q22.32.
Variant type: single nucleotide variant.
Coding change: c.2302A>T on transcript NM_000264.5 (MANE Select); coding-DNA position 2302, A replaced by T.
Protein change: p.Thr768Ser; replaces threonine 768 with serine.
Molecular consequence: missense variant. On other transcripts: non-coding transcript variant (1).
Genome position (GRCh38, 1-based): chr9:95,467,374, T>A on the plus strand (A>T on the coding strand, the complement: PTCH1 is on the minus strand). VCF-style: chr9-95467374-T-A. GRCh37 (hg19) VCF-style: chr9-98229656-T-A.
Other names: c.2104A>T, p.Thr702Ser (NM_001083602.3); c.2299A>T, p.Thr767Ser (NM_001083603.3); c.1849A>T, p.Thr617Ser (NM_001083604.3, NM_001083605.3, NM_001083606.3 and 1 more transcripts); c.2146A>T, p.Thr716Ser (NM_001354918.2); short protein forms T617S, T716S, T768S, T702S, T767S.
Identifiers: ClinVar variation 3427273 (VCV003427273.1).